The following is an entry in ClinVar:

ClinVar aggregate classification (germline): Uncertain significance (1 of 4 stars; one submission).

Conditions:
Neuronopathy, distal hereditary motor, type 2C. Also called: HMN IIC; NEUROPATHY, DISTAL HEREDITARY MOTOR, AUTOSOMAL DOMINANT 4; NEURONOPATHY, DISTAL HEREDITARY MOTOR, HARDING TYPE IIC; NEUROPATHY, DISTAL HEREDITARY MOTOR, HARDING TYPE IIC. Identifiers: Orphanet 139525, MedGen C3150619, MONDO:0013243, OMIM 613376.

Allele frequency attached by ClinVar (database versions not stated): TOPMed below 0.00001.
gnomAD v4.1: 1 of 1,614,142 alleles (0.000062%); no homozygotes.

Submission:

Labcorp Genetics (formerly Invitae), Labcorp
Classification: Uncertain significance for Neuronopathy, distal hereditary motor, type 2C. Last evaluated: 2023-07-12. Review status: criteria provided, single submitter. Criteria: Invitae Variant Classification Sherloc (09022015). Collection method: clinical testing. Allele origin: germline.
Comment: In summary, the available evidence is currently insufficient to determine the role of this variant in disease. Therefore, it has been classified as a Variant of Uncertain Significance. An algorithm developed to predict the effect of missense changes on protein structure and function (PolyPhen-2) suggests that this variant is likely to be tolerated. This variant has not been reported in the literature in individuals affected with HSPB3-related conditions. This variant is not present in population databases (gnomAD no frequency). This sequence change replaces aspartic acid, which is acidic and polar, with glycine, which is neutral and non-polar, at codon 31 of the HSPB3 protein (p.Asp31Gly).

NM_006308.3(HSPB3):c.92A>G (p.Asp31Gly)

Gene: HSPB3 (heat shock protein family B (small) member 3; plus strand). Cytogenetic location: 5q11.2.
Variant type: single nucleotide variant.
Coding change: c.92A>G on transcript NM_006308.3 (MANE Select); coding-DNA position 92, A replaced by G.
Protein change: p.Asp31Gly; replaces aspartic acid 31 with glycine.
Molecular consequence: missense variant.
Genome position (GRCh38, 1-based): chr5:54,455,881, A>G. VCF-style: chr5-54455881-A-G. GRCh37 (hg19) VCF-style: chr5-53751711-A-G.
Other names: short protein forms D31G.
Identifiers: ClinVar variation 2907790 (VCV002907790.3), dbSNP rs1761037380, ClinGen allele CA359797105.